The following is an entry in ClinVar:

ClinVar aggregate classification (germline): Uncertain significance (1 of 4 stars; one submission).

Conditions:
Developmental and epileptic encephalopathy, 34 (DEE34). Also called: SLC12A5-Related Epilepsy of Infancy with Migrating Focal Seizures; Early infantile epileptic encephalopathy 34. Identifiers: Orphanet 293181, MedGen C4225257, MONDO:0014718, OMIM 616645.

Allele frequency attached by ClinVar (database versions not stated): gnomAD exomes below 0.00001.
gnomAD v4.1: 3 of 1,614,010 alleles (0.00019%); highest among the groups gnomAD compares: Non-Finnish European, 0.00017%; no homozygotes.

Submission:

Labcorp Genetics (formerly Invitae), Labcorp
Classification: Uncertain significance for Developmental and epileptic encephalopathy, 34. Last evaluated: 2024-10-15. Review status: criteria provided, single submitter. Criteria: Invitae Variant Classification Sherloc (09022015). Collection method: clinical testing. Allele origin: germline.
Comment: This sequence change replaces methionine, which is neutral and non-polar, with valine, which is neutral and non-polar, at codon 387 of the SLC12A5 protein (p.Met387Val). This variant is not present in population databases (gnomAD no frequency). This variant has not been reported in the literature in individuals affected with SLC12A5-related conditions. ClinVar contains an entry for this variant (Variation ID: 1978741). Invitae Evidence Modeling of protein sequence and biophysical properties (such as structural, functional, and spatial information, amino acid conservation, physicochemical variation, residue mobility, and thermodynamic stability) indicates that this missense variant is not expected to disrupt SLC12A5 protein function with a negative predictive value of 80%. In summary, the available evidence is currently insufficient to determine the role of this variant in disease. Therefore, it has been classified as a Variant of Uncertain Significance.

NM_020708.5(SLC12A5):c.1159A>G (p.Met387Val)

Gene: SLC12A5 (solute carrier family 12 member 5; plus strand). Cytogenetic location: 20q13.12.
Variant type: single nucleotide variant.
Coding change: c.1159A>G on transcript NM_020708.5 (MANE Select); coding-DNA position 1159, A replaced by G.
Protein change: p.Met387Val; replaces methionine 387 with valine.
Molecular consequence: missense variant.
Genome position (GRCh38, 1-based): chr20:46,043,245, A>G. VCF-style: chr20-46043245-A-G. GRCh37 (hg19) VCF-style: chr20-44671884-A-G.
Other names: c.1228A>G, p.Met410Val (NM_001134771.2); short protein forms M387V, M410V.
Identifiers: ClinVar variation 1978741 (VCV001978741.4), dbSNP rs2515641157, ClinGen allele CA409191968.
Genomic context (GRCh38, chr20:46,043,245, plus strand): 5'-GTGATTGTGGAGAGGAGTGGGATGACCTCGGTGGGCCTGGCCGATGGCACTCCTATCGAC[A>G]TGGACCACCCTTATGTCTTCAGTGATATGACCTCCTACTTCACCCTGCTGGTTGGCATCT-3'
Protein context (NP_065759.1, residues 377-397): VGLADGTPID[Met387Val]DHPYVFSDMT